The following is an entry in ClinVar:

ClinVar aggregate classification (germline): Likely benign (1 of 4 stars; one submission).

gnomAD v4.1: 7,838 of 1,613,830 alleles (0.49%); highest among the groups gnomAD compares: Non-Finnish European, 0.57%; 31 homozygotes.

Submission:

CeGaT Center for Human Genetics Tuebingen
Classification: Likely benign. Last evaluated: 2025-07-01. Review status: criteria provided, single submitter. Criteria: CeGaT Center For Human Genetics Tuebingen Variant Classification Criteria Version 2. Collection method: clinical testing. Allele origin: germline. Affected: yes. Observed: 1 variant allele.
Comment: CD109: BP4, BS2

NM_133493.5(CD109):c.3928A>G (p.Arg1310Gly)

Gene: CD109 (CD109 molecule; plus strand). Cytogenetic location: 6q13.
Variant type: single nucleotide variant.
Coding change: c.3928A>G on transcript NM_133493.5 (MANE Select); coding-DNA position 3928, A replaced by G.
Protein change: p.Arg1310Gly; replaces arginine 1310 with glycine.
Molecular consequence: missense variant.
Genome position (GRCh38, 1-based): chr6:73,818,404, A>G. VCF-style: chr6-73818404-A-G. GRCh37 (hg19) VCF-style: chr6-74528127-A-G.
Other names: c.3877A>G, p.Arg1293Gly (NM_001159587.3); c.3697A>G, p.Arg1233Gly (NM_001159588.3); short protein forms R1233G, R1293G, R1310G.
Identifiers: ClinVar variation 4083547 (VCV004083547.8).